The following is an entry in ClinVar:

NM_152328.5(ADSS1):c.414dup (p.Asp139Ter)

Gene: ADSS1 (adenylosuccinate synthase 1; plus strand). Cytogenetic location: 14q32.33.
Variant type: Duplication.
Coding change: c.414dup on transcript NM_152328.5 (MANE Select); coding-DNA position 414, one base duplicated (T; older notation c.414dupT).
Protein change: p.Asp139Ter; replaces aspartic acid 139 with a stop codon.
Molecular consequence: nonsense. On other transcripts: intron variant (1).
Genome position (GRCh38, 1-based): chr14:104,739,754, T duplicated; the last of 3 consecutive T bases (chr14:104,739,752-104,739,754); duplicating any one gives the same sequence. VCF-style (leftmost placement, unchanged base first): chr14-104739751-G-GT. GRCh37 (hg19) VCF-style: chr14-105206088-G-GT.
Other names: c.543dup, p.Asp182Ter (NM_199165.2); c.-189-13dup (NM_001320424.1); short protein forms D182*, D139*.
Identifiers: ClinVar variation 4710928 (VCV004710928.1).

ClinVar aggregate classification (germline): Pathogenic (1 of 4 stars; one submission).

Submission:

Labcorp Genetics (formerly Invitae), Labcorp
Classification: Pathogenic. Last evaluated: 2025-07-29. Review status: criteria provided, single submitter. Criteria: Invitae Variant Classification Sherloc (09022015). Collection method: clinical testing. Allele origin: germline.
Comment: This sequence change creates a premature translational stop signal (p.Asp182*) in the ADSSL1 gene. It is expected to result in an absent or disrupted protein product. Loss-of-function variants in ADSSL1 are known to be pathogenic (PMID: 26506222). This variant is not present in population databases (gnomAD no frequency). This variant has not been reported in the literature in individuals affected with ADSSL1-related conditions. Algorithms developed to predict the effect of sequence changes on RNA splicing suggest that this variant may disrupt the consensus splice site. For these reasons, this variant has been classified as Pathogenic.

Literature cited by the submitters: PubMed 26506222.